The following is an entry in ClinVar:

NM_198834.3(ACACA):c.6720+2dup

Gene: ACACA (acetyl-CoA carboxylase alpha; minus strand). Cytogenetic location: 17q12.
Variant type: Duplication.
Coding change: c.6720+2dup on transcript NM_198834.3 (MANE Select); the canonical splice donor site of the intron after coding-DNA position 6720, one base duplicated (T; older notation c.6720+2dupT).
Molecular consequence: splice donor variant.
Genome position (GRCh38, 1-based): chr17:37,097,828, A duplicated on the plus strand (T on the coding strand, the reverse complement: ACACA is on the minus strand). VCF-style (leftmost placement, unchanged base first): chr17-37097827-T-TA. GRCh37 (hg19) VCF-style: chr17-35454762-T-TA.
Other names: c.6609+2dup (NM_198839.3, NM_198836.3); c.6435+2dup (NM_198837.2); c.6375+2dup (NM_198838.2).
Identifiers: ClinVar variation 2683417 (VCV002683417.1), dbSNP rs2544606364, ClinGen allele CA2697559829.

ClinVar aggregate classification (germline): Uncertain significance (1 of 4 stars; one submission).

Submission:

Mayo Clinic Laboratories, Mayo Clinic
Classification: Uncertain significance. Last evaluated: 2023-04-14. Review status: criteria provided, single submitter. Criteria: ACMG Guidelines, 2015. Collection method: clinical testing. Allele origin: germline. Observed: 1 variant allele.
Comment: PM2